The following is an entry in ClinVar:

NM_001322934.2(NFKB2):c.2510A>T (p.Asp837Val)

Gene: NFKB2 (nuclear factor kappa B subunit 2; plus strand). Cytogenetic location: 10q24.32.
Variant type: single nucleotide variant.
Coding change: c.2510A>T on transcript NM_001322934.2 (MANE Select); coding-DNA position 2510, A replaced by T.
Protein change: p.Asp837Val; replaces aspartic acid 837 with valine.
Molecular consequence: missense variant.
Genome position (GRCh38, 1-based): chr10:102,402,091, A>T. VCF-style: chr10-102402091-A-T. GRCh37 (hg19) VCF-style: chr10-104161848-A-T.
Other names: c.2510A>T, p.Asp837Val (NM_001077493.1, NM_001077494.3, NM_001261403.3 and 2 more transcripts); c.2384A>T, p.Asp795Val (NM_001322935.1); short protein forms D837V, D795V.
Identifiers: ClinVar variation 2037469 (VCV002037469.4), dbSNP rs2061269838, ClinGen allele CA377906112.

ClinVar aggregate classification (germline): Uncertain significance (1 of 4 stars; one submission).

Conditions:
Immunodeficiency, common variable, 10. Also called: IMMUNODEFICIENCY, COMMON VARIABLE, WITH CENTRAL ADRENAL INSUFFICIENCY; DEFICIT IN ANTERIOR PITUITARY FUNCTION AND VARIABLE IMMUNODEFICIENCY. Identifiers: MedGen C3809991, MONDO:0014260, OMIM 615577.

Allele frequency attached by ClinVar (database versions not stated): gnomAD exomes below 0.00001; TOPMed below 0.00001.
gnomAD v4.1: 1 of 1,577,102 alleles (0.000063%); highest among the groups gnomAD compares: Non-Finnish European, 0.000086%; no homozygotes.

Submission:

Labcorp Genetics (formerly Invitae), Labcorp
Classification: Uncertain significance for Immunodeficiency, common variable, 10. Last evaluated: 2022-03-04. Review status: criteria provided, single submitter. Criteria: Invitae Variant Classification Sherloc (09022015). Collection method: clinical testing. Allele origin: germline.
Comment: In summary, the available evidence is currently insufficient to determine the role of this variant in disease. Therefore, it has been classified as a Variant of Uncertain Significance. This sequence change replaces aspartic acid, which is acidic and polar, with valine, which is neutral and non-polar, at codon 837 of the NFKB2 protein (p.Asp837Val). This variant is not present in population databases (gnomAD no frequency). This variant has not been reported in the literature in individuals affected with NFKB2-related conditions. Algorithms developed to predict the effect of missense changes on protein structure and function (SIFT, PolyPhen-2, Align-GVGD) all suggest that this variant is likely to be tolerated.